The following is an entry in ClinVar:

NM_152383.5(DIS3L2):c.1922A>C (p.Asn641Thr)

Gene: DIS3L2 (DIS3 like 3'-5' exoribonuclease 2; plus strand). Cytogenetic location: 2q37.1.
Variant type: single nucleotide variant.
Coding change: c.1922A>C on transcript NM_152383.5 (MANE Select); coding-DNA position 1922, A replaced by C.
Protein change: p.Asn641Thr; replaces asparagine 641 with threonine.
Molecular consequence: missense variant. On other transcripts: non-coding transcript variant (2), intron variant (1).
Genome position (GRCh38, 1-based): chr2:232,329,995, A>C. VCF-style: chr2-232329995-A-C. GRCh37 (hg19) VCF-style: chr2-233194705-A-C.
Other names: c.1582-13350A>C (NM_001257281.2); short protein forms N641T.
Identifiers: ClinVar variation 999525 (VCV000999525.9), dbSNP rs769948942, ClinGen allele CA350976305.
Genomic context (GRCh38, chr2:232,329,995, plus strand): 5'-TGGTGGAATTCTGCGACCAGATGGGGCTGCCCGTGGACTTCAGCTCCGCAGGAGCCCTCA[A>C]TGTGAGTGGTGGGCAGGATTCGGGGGAGGCCCTGCTTGGGGGAAAGAAGAGAAAGACCTG-3'
Protein context (NP_689596.4, residues 631-651): PVDFSSAGAL[Asn641Thr]KSLTQTFGDD

ClinVar aggregate classification (germline): Uncertain significance (1 of 4 stars; one submission).

Conditions:
Perlman syndrome (PRLMNS). Identifiers: Orphanet 2849, MedGen C0796113, MONDO:0009965, OMIM 267000.

Submission:

Labcorp Genetics (formerly Invitae), Labcorp
Classification: Uncertain significance for Perlman syndrome. Last evaluated: 2020-02-18. Review status: criteria provided, single submitter. Criteria: Invitae Variant Classification Sherloc (09022015). Collection method: clinical testing. Allele origin: germline.
Comment: This sequence change replaces asparagine with threonine at codon 641 of the DIS3L2 protein (p.Asn641Thr). The asparagine residue is weakly conserved and there is a small physicochemical difference between asparagine and threonine. This variant is not present in population databases (ExAC no frequency). This variant has not been reported in the literature in individuals with DIS3L2-related conditions. Algorithms developed to predict the effect of missense changes on protein structure and function (SIFT, PolyPhen-2, Align-GVGD) all suggest that this variant is likely to be tolerated, but these predictions have not been confirmed by published functional studies and their clinical significance is uncertain. In summary, the available evidence is currently insufficient to determine the role of this variant in disease. Therefore, it has been classified as a Variant of Uncertain Significance.